The following is an entry in ClinVar:

ClinVar aggregate classification (germline): Uncertain significance (1 of 4 stars; one submission).

Conditions:
Inborn genetic diseases. Identifiers: MedGen C0950123, MeSH D030342.

Submission:

Ambry Genetics
Classification: Uncertain significance for Inborn genetic diseases. Last evaluated: 2025-03-15. Review status: criteria provided, single submitter. Criteria: Ambry Variant Classification Scheme 2023. Collection method: clinical testing. Allele origin: germline.
Comment: The p.E1084V variant (also known as c.3251A>T), located in coding exon 15 of the MECOM gene, results from an A to T substitution at nucleotide position 3251. The glutamic acid at codon 1084 is replaced by valine, an amino acid with dissimilar properties. This amino acid position is conserved. In addition, this alteration is predicted to be tolerated by in silico analysis. Based on the available evidence, the clinical significance of this variant remains unclear.

NM_004991.4(MECOM):c.3251A>T (p.Glu1084Val)

Gene: MECOM (MDS1 and EVI1 complex locus; minus strand). Cytogenetic location: 3q26.2.
Variant type: single nucleotide variant.
Coding change: c.3251A>T on transcript NM_004991.4 (MANE Select); coding-DNA position 3251, A replaced by T.
Protein change: p.Glu1084Val; replaces glutamic acid 1084 with valine.
Molecular consequence: missense variant.
Genome position (GRCh38, 1-based): chr3:169,090,150, T>A on the plus strand (A>T on the coding strand, the complement: MECOM is on the minus strand). VCF-style: chr3-169090150-T-A. GRCh37 (hg19) VCF-style: chr3-168807938-T-A.
Other names: c.2882A>T, p.Glu961Val (NM_001105077.4); c.2687A>T, p.Glu896Val (NM_001105078.4, NM_001205194.2, NM_001366469.2 and 1 more transcripts); c.2663A>T, p.Glu888Val (NM_001163999.2, NM_001366470.2); c.2660A>T, p.Glu887Val (NM_001164000.2, NM_001366471.2, NM_001366472.2); c.3224A>T, p.Glu1075Val (NM_001366466.2); c.2690A>T, p.Glu897Val (NM_001366467.2, NM_001366468.2); c.2252A>T, p.Glu751Val (NM_001366473.2); c.1688A>T, p.Glu563Val (NM_001366474.2); short protein forms E888V, E563V, E897V, E1075V, E751V, E961V, E1084V, E887V.
Identifiers: ClinVar variation 4053066 (VCV004053066.1).